The following is an entry in ClinVar:

NM_005273.4(GNB2):c.387C>A (p.Arg129=)

Gene: GNB2 (G protein subunit beta 2; plus strand). Cytogenetic location: 7q22.1.
Variant type: single nucleotide variant.
Coding change: c.387C>A on transcript NM_005273.4 (MANE Select); coding-DNA position 387, C replaced by A.
Protein change: p.Arg129=; no amino-acid change (arginine 129 retained).
Molecular consequence: synonymous variant.
Genome position (GRCh38, 1-based): chr7:100,677,617, C>A. VCF-style: chr7-100677617-C-A. GRCh37 (hg19) VCF-style: chr7-100275240-C-A.
Identifiers: ClinVar variation 4821961 (VCV004821961.4).
Genomic context (GRCh38, chr7:100,677,617, plus strand): 5'-GAACTTTGTGGCCTGTGGGGGGTTGGACAACATCTGCTCCATCTACAGCCTCAAGACCCG[C>A]GAGGGCAACGTCAGGGTCAGCCGGGAGCTGCCTGGCCACACTGGTGAGGGGCCTGGCCCA-3'
Protein context (NP_005264.2, residues 119-139): NICSIYSLKT[Arg129=]EGNVRVSREL

ClinVar aggregate classification (germline): Likely benign (1 of 4 stars; one submission).

Submission:

CeGaT Center for Human Genetics Tuebingen
Classification: Likely benign. Last evaluated: 2026-02-01. Review status: criteria provided, single submitter. Criteria: CeGaT Center For Human Genetics Tuebingen Variant Classification Criteria Version 2. Collection method: clinical testing. Allele origin: germline. Affected: yes. Observed: 1 variant allele.
Comment: GNB2: BP4, BP7